The following is an entry in ClinVar:

ClinVar aggregate classification (germline): Uncertain significance (1 of 4 stars; one submission).

Submission:

Ambry Genetics
Classification: Uncertain significance. Last evaluated: 2021-11-22. Review status: criteria provided, single submitter. Criteria: Ambry Variant Classification Scheme 2023. Collection method: clinical testing. Allele origin: germline.
Comment: The p.H1010R variant (also known as c.3029A>G), located in coding exon 18 of the PKP4 gene, results from an A to G substitution at nucleotide position 3029. The histidine at codon 1010 is replaced by arginine, an amino acid with highly similar properties. This amino acid position is conserved. In addition, this alteration is predicted to be deleterious by in silico analysis. Since supporting evidence is limited at this time, the clinical significance of this alteration remains unclear.

NM_003628.6(PKP4):c.3029A>G (p.His1010Arg)

Genes: PKP4 (plakophilin 4; plus strand), PKP4-AS1 (PKP4 antisense RNA 1; minus strand). Cytogenetic location: 2q24.1.
Variant type: single nucleotide variant.
Coding change: c.3029A>G on transcript NM_003628.6 (MANE Select); coding-DNA position 3029, A replaced by G.
Protein change: p.His1010Arg; replaces histidine 1010 with arginine.
Molecular consequence: missense variant.
Genome position (GRCh38, 1-based): chr2:158,673,902, A>G. VCF-style: chr2-158673902-A-G. GRCh37 (hg19) VCF-style: chr2-159530414-A-G.
Other names: c.3029A>G, p.His1010Arg (NM_001005476.4, NM_001377218.1, NM_001377225.1); c.3026A>G, p.His1009Arg (NM_001304969.3, NM_001377219.1, NM_001377220.1 and 2 more transcripts); c.2000A>G, p.His667Arg (NM_001304970.3); c.3023A>G, p.His1008Arg (NM_001377222.1, NM_001377223.1); c.3020A>G, p.His1007Arg (NM_001377224.1); short protein forms H1010R, H667R, H1008R, H1009R, H1007R.
Identifiers: ClinVar variation 1798985 (VCV001798985.2), dbSNP rs2529887469, ClinGen allele CA348906816.